The following is an entry in ClinVar:

ClinVar aggregate classification (germline): Uncertain significance (1 of 4 stars; one submission).

Submission:

GeneDx
Classification: Uncertain significance. Last evaluated: 2024-03-29. Review status: criteria provided, single submitter. Criteria: GeneDx Variant Classification Process June 2021. Collection method: clinical testing. Allele origin: germline. Affected: yes.
Comment: Not observed at significant frequency in large population cohorts (gnomAD); In silico analysis supports that this missense variant does not alter protein structure/function; Has not been previously published as pathogenic or benign to our knowledge

NM_002693.3(POLG):c.1928C>A (p.Ala643Asp)

Gene: POLG (DNA polymerase gamma, catalytic subunit; minus strand). Cytogenetic location: 15q26.1.
Variant type: single nucleotide variant.
Coding change: c.1928C>A on transcript NM_002693.3 (MANE Select); coding-DNA position 1928, C replaced by A.
Protein change: p.Ala643Asp; replaces alanine 643 with aspartic acid.
Molecular consequence: missense variant.
Genome position (GRCh38, 1-based): chr15:89,325,471, G>T on the plus strand (C>A on the coding strand, the complement: POLG is on the minus strand). VCF-style: chr15-89325471-G-T. GRCh37 (hg19) VCF-style: chr15-89868702-G-T.
Other names: c.1928C>A, p.Ala643Asp (NM_001126131.2); short protein forms A643D.
Identifiers: ClinVar variation 3371887 (VCV003371887.1).